The following is an entry in ClinVar:

NM_198098.4(AQP1):c.*229C>T

Gene: AQP1 (aquaporin 1 (Colton blood group); plus strand). Cytogenetic location: 7p14.3.
Variant type: single nucleotide variant.
Coding change: c.*229C>T on transcript NM_198098.4 (MANE Select); 229 bases downstream of the stop codon, C replaced by T.
Molecular consequence: 3 prime UTR variant. On other transcripts: missense variant (1).
Genome position (GRCh38, 1-based): chr7:30,923,858, C>T. VCF-style: chr7-30923858-C-T. GRCh37 (hg19) VCF-style: chr7-30963473-C-T.
Other names: c.821C>T, p.Thr274Ile (NM_001329872.2); short protein forms T274I.
Identifiers: ClinVar variation 3045599 (VCV003045599.2), dbSNP rs367980461, ClinGen allele CA4208315.

ClinVar aggregate classification (germline): Benign (0 of 4 stars; one submission).

Conditions:
AQP1-related disorder. Also called: AQP1-related condition.

Allele frequency attached by ClinVar (database versions not stated): gnomAD exomes 0.00011; TOPMed 0.00025; gnomAD 0.00031; ExAC 0.00135; 1000 Genomes Project 30x 0.00187; 1000 Genomes Project 0.00220.
gnomAD v4.1: 201 of 1,518,816 alleles (0.013%); highest among the groups gnomAD compares: East Asian, 0.47%; no homozygotes.

Submission:

PreventionGenetics, part of Exact Sciences
Classification: Benign for AQP1-related condition. Last evaluated: 2019-11-16. Review status: no assertion criteria provided. Collection method: clinical testing. Allele origin: germline.
Comment: This variant is classified as benign based on ACMG/AMP sequence variant interpretation guidelines (Richards et al. 2015 PMID: 25741868, with internal and published modifications).